The following is an entry in ClinVar:

ClinVar aggregate classification (germline): Uncertain significance. Review status: criteria provided, multiple submitters, no conflicts (2 of 4 stars). 4 submissions from 4 submitters: Uncertain significance (4). Last evaluated 2025-12-15.

Conditions:
Hereditary cancer-predisposing syndrome. Also called: Hereditary Cancer Syndrome; Tumor predisposition; Neoplastic Syndromes, Hereditary; Hereditary neoplastic syndrome. Identifiers: Orphanet 140162, MedGen C0027672, MeSH D009386, MONDO:0015356.
Breast-ovarian cancer, familial, susceptibility to, 5 (BROVCA5). Identifiers: MedGen C5830615, MONDO:0957530, OMIM 620442.
Familial cancer of breast. Also called: Hereditary breast cancer; BREAST CANCER, FAMILIAL; hereditary breast carcinoma. Identifiers: Orphanet 227535, MedGen C0346153, MONDO:0016419, OMIM 114480. Disease mechanism: loss of function.

Allele frequency attached by ClinVar (database versions not stated): gnomAD exomes below 0.00001 and 0.00001; TOPMed 0.00001.
gnomAD v4.1: 19 of 1,614,186 alleles (0.0012%); highest among the groups gnomAD compares: Middle Eastern, 0.18%; no homozygotes.

Submissions (4):

Ambry Genetics
Classification: Uncertain significance for Hereditary cancer-predisposing syndrome. Last evaluated: 2025-12-15. Review status: criteria provided, single submitter. Criteria: Ambry Variant Classification Scheme 2023. Collection method: clinical testing. Allele origin: germline.
Comment: The p.I1137T variant (also known as c.3410T>C), located in coding exon 13 of the PALB2 gene, results from a T to C substitution at nucleotide position 3410. The isoleucine at codon 1137 is replaced by threonine, an amino acid with similar properties. In addition, this alteration is predicted to be tolerated by in silico analysis. Since supporting evidence is limited at this time, the clinical significance of this alteration remains unclear.

GeneDx
Classification: Uncertain significance. Last evaluated: 2025-06-04. Review status: criteria provided, single submitter. Criteria: GeneDx Variant Classification Process June 2021. Collection method: clinical testing. Allele origin: germline. Affected: yes.
Comment: Not observed at significant frequency in large population cohorts (gnomAD); In silico analysis supports that this missense variant has a deleterious effect on protein structure/function; Observed in individuals with breast cancer (PMID: 32068069, 26564480); This variant is associated with the following publications: (PMID: 32068069, 26564480, 24485656, 19609323, 20871615, 39895796)

Labcorp Genetics (formerly Invitae), Labcorp
Classification: Uncertain significance for Familial cancer of breast. Last evaluated: 2023-12-12. Review status: criteria provided, single submitter. Criteria: Invitae Variant Classification Sherloc (09022015). Collection method: clinical testing. Allele origin: germline.
Comment: This sequence change replaces isoleucine, which is neutral and non-polar, with threonine, which is neutral and polar, at codon 1137 of the PALB2 protein (p.Ile1137Thr). This variant is present in population databases (no rsID available, gnomAD 0.007%). This missense change has been observed in individual(s) with breast cancer (PMID: 26564480). ClinVar contains an entry for this variant (Variation ID: 841057). An algorithm developed to predict the effect of missense changes on protein structure and function (PolyPhen-2) suggests that this variant is likely to be disruptive. In summary, the available evidence is currently insufficient to determine the role of this variant in disease. Therefore, it has been classified as a Variant of Uncertain Significance.

KCCC/NGS Laboratory, Kuwait Cancer Control Center
Classification: Uncertain significance for Breast-ovarian cancer, familial, susceptibility to, 5. Last evaluated: 2023-12-11. Review status: criteria provided, single submitter. Criteria: ACMG Guidelines, 2015. Collection method: clinical testing. Allele origin: germline. Inheritance: Autosomal dominant inheritance. Affected: yes. Observed: 1 heterozygote.
Comment: This sequence change replaces isoleucine, which is neutral and non-polar, with threonine, which is neutral and polar, at codon 1137 of the PALB2 protein (p.Ile1137Thr). This variant is present in population databases (no rsID available, gnomAD 0.007%). This missense change has been observed in individual(s) with breast cancer (PMID: 26564480). ClinVar contains an entry for this variant (Variation ID: 841057). Algorithms developed to predict the effect of missense changes on protein structure and function (SIFT, PolyPhen-2, Align-GVGD) all suggest that this variant is likely to be disruptive. In summary, the available evidence is currently insufficient to determine the role of this variant in disease. Therefore, it has been classified as a Variant of Uncertain Significance.

Literature cited by the submitters: PubMed 26564480 (cited by Ambry Genetics and Labcorp Genetics (formerly Invitae), Labcorp).

NM_024675.4(PALB2):c.3410T>C (p.Ile1137Thr)

Gene: PALB2 (partner and localizer of BRCA2; minus strand). Cytogenetic location: 16p12.2.
Variant type: single nucleotide variant.
Coding change: c.3410T>C on transcript NM_024675.4 (MANE Select); coding-DNA position 3410, T replaced by C.
Protein change: p.Ile1137Thr; replaces isoleucine 1137 with threonine.
Molecular consequence: missense variant.
Genome position (GRCh38, 1-based): chr16:23,603,610, A>G on the plus strand (T>C on the coding strand, the complement: PALB2 is on the minus strand). VCF-style: chr16-23603610-A-G. GRCh37 (hg19) VCF-style: chr16-23614931-A-G.
Other names: short protein forms I1137T.
Identifiers: ClinVar variation 841057 (VCV000841057.22), dbSNP rs868258231, ClinGen allele CA279525150.
Genomic context (GRCh38, chr16:23,603,610, plus strand): 5'-TGGTCAGAGACAGGTGGGAGGAGGGCAGTACACTGACCGAGAAGTAAGTCCCAAATGGCA[A>G]TTGTTCCAGAAGTCAAGATTGCTGCTGCACAGTGATCTTTCACGTCACCTTCCAGGAACC-3'
Protein context (NP_078951.2, residues 1127-1147): CAAAILTSGT[Ile1137Thr]AIWDLLLGQC